The following is an entry in ClinVar:

NM_024306.5(FA2H):c.*1129G>A

Gene: FA2H (fatty acid 2-hydroxylase; minus strand). Cytogenetic location: 16q23.1.
Variant type: single nucleotide variant.
Coding change: c.*1129G>A on transcript NM_024306.5 (MANE Select); 1129 bases downstream of the stop codon, G replaced by A.
Molecular consequence: 3 prime UTR variant.
Genome position (GRCh38, 1-based): chr16:74,713,061, C>T on the plus strand (G>A on the coding strand, the complement: FA2H is on the minus strand). VCF-style: chr16-74713061-C-T. GRCh37 (hg19) VCF-style: chr16-74746959-C-T.
Other names: NC_000016.9:g.74746959C>T.
Identifiers: ClinVar variation 320465 (VCV000320465.7), dbSNP rs7184172, ClinGen allele CA10638334.

ClinVar aggregate classification (germline): Benign. Review status: criteria provided, multiple submitters, no conflicts (2 of 4 stars). 2 submissions from 2 submitters: Benign (2). Last evaluated 2018-01-13.

Conditions:
Hereditary spastic paraplegia 35. Also called: Spastic paraplegia 35; LEUKODYSTROPHY, DYSMYELINATING, AND SPASTIC PARAPARESIS WITH OR WITHOUT DYSTONIA; Spastic paraplegia 35, autosomal recessive; SPASTIC PARAPLEGIA 35, AUTOSOMAL RECESSIVE, WITH OR WITHOUT NEURODEGENERATION. Identifiers: Orphanet 171629, MedGen C3496228, MONDO:0012866, OMIM 612319.

Allele frequency attached by ClinVar (database versions not stated): gnomAD 0.02029 and 0.02186; 1000 Genomes Project 0.02117; 1000 Genomes Project 30x 0.02155; TOPMed 0.02197.

Submissions (6):

Illumina Laboratory Services, Illumina
Classification: Benign for Hereditary spastic paraplegia 35. Last evaluated: 2018-01-13. Review status: criteria provided, single submitter. Criteria: ICSL Variant Classification Criteria 13 December 2019. Collection method: clinical testing. Allele origin: germline.
Comment: This variant was observed in the ICSL laboratory as part of a predisposition screen in an ostensibly healthy population. It had not been previously curated by ICSL or reported in the Human Gene Mutation Database (HGMD: prior to June 1st, 2018), and was therefore a candidate for classification through an automated scoring system. Utilizing variant allele frequency, disease prevalence and penetrance estimates, and inheritance mode, an automated score was calculated to assess if this variant is too frequent to cause the disease. Based on the score and internal cut-off values, a variant classified as benign is not then subjected to further curation. The score for this variant resulted in a classification of benign for this disease.

Breakthrough Genomics
Classification: Benign. Review status: criteria provided, single submitter. Criteria: ACMG Guidelines, 2015. Collection method: not provided. Allele origin: germline. Inheritance: Autosomal recessive inheritance. Affected: yes.

Dr. Peter K. Rogan Lab, Western University
No classification provided (evidence only). Condition: Uterine corpus endometrial carcinoma. Review status: no classification provided. Collection method: in vitro. Allele origin: not applicable. Functional consequence: retained intron. Not counted in ClinVar's aggregate classification.

Dr. Peter K. Rogan Lab, Western University
No classification provided (evidence only). Condition: Cervical cancer. Review status: no classification provided. Collection method: in vitro. Allele origin: not applicable. Functional consequence: retained intron. Not counted in ClinVar's aggregate classification.

Dr. Peter K. Rogan Lab, Western University
No classification provided (evidence only). Condition: Cervical cancer. Review status: no classification provided. Collection method: in vitro. Allele origin: not applicable. Functional consequence: retained intron. Not counted in ClinVar's aggregate classification.

Dr. Peter K. Rogan Lab, Western University
No classification provided (evidence only). Condition: Thymoma. Review status: no classification provided. Collection method: in vitro. Allele origin: not applicable. Functional consequence: retained intron. Not counted in ClinVar's aggregate classification.